The following is an entry in ClinVar:

ClinVar aggregate classification (germline): Uncertain significance (1 of 4 stars; one submission).

Conditions:
Neurofibromatosis, type 1 (NF1). Also called: Neurofibromatosis, type I; VON RECKLINGHAUSEN DISEASE; Peripheral type neurofibromatosis; NEUROFIBROMATOSIS, TYPE I, SOMATIC. Identifiers: Orphanet 636, MedGen C0027831, MONDO:0018975, OMIM 162200. Disease mechanism: loss of function.

Allele frequency attached by ClinVar (database versions not stated): gnomAD exomes below 0.00001.
gnomAD v4.1: 1 of 1,613,912 alleles (0.000062%); highest among the groups gnomAD compares: Non-Finnish European, 0.000085%; no homozygotes.

Submission:

Labcorp Genetics (formerly Invitae), Labcorp
Classification: Uncertain significance for Neurofibromatosis, type 1. Last evaluated: 2019-01-24. Review status: criteria provided, single submitter. Criteria: Invitae Variant Classification Sherloc (09022015). Collection method: clinical testing. Allele origin: germline.
Comment: This sequence change replaces aspartic acid with histidine at codon 1991 of the NF1 protein (p.Asp1991His). The aspartic acid residue is moderately conserved and there is a moderate physicochemical difference between aspartic acid and histidine. This variant is not present in population databases (ExAC no frequency). In summary, the available evidence is currently insufficient to determine the role of this variant in disease. Therefore, it has been classified as a Variant of Uncertain Significance. Algorithms developed to predict the effect of missense changes on protein structure and function are either unavailable or do not agree on the potential impact of this missense change (SIFT: "Deleterious"; PolyPhen-2: "Probably Damaging"; Align-GVGD: "Class C0"). This variant has not been reported in the literature in individuals with NF1-related conditions.

NM_001042492.3(NF1):c.6034G>C (p.Asp2012His)

Gene: NF1 (neurofibromin 1; plus strand). Cytogenetic location: 17q11.2.
Variant type: single nucleotide variant.
Coding change: c.6034G>C on transcript NM_001042492.3 (MANE Select); coding-DNA position 6034, G replaced by C.
Protein change: p.Asp2012His; replaces aspartic acid 2012 with histidine.
Molecular consequence: missense variant.
Genome position (GRCh38, 1-based): chr17:31,336,360, G>C. VCF-style: chr17-31336360-G-C. GRCh37 (hg19) VCF-style: chr17-29663378-G-C.
Other names: c.5971G>C, p.Asp1991His (NM_000267.4); short protein forms D1991H, D2012H.
Identifiers: ClinVar variation 861249 (VCV000861249.6), dbSNP rs199474783, ClinGen allele CA399011049.